The following is an entry in ClinVar:

NM_001379200.1(TBX1):c.1179_1180insAG (p.Leu394fs)

Gene: TBX1 (T-box transcription factor 1; plus strand). Cytogenetic location: 22q11.21.
Variant type: Insertion.
Coding change: c.1179_1180insAG on transcript NM_001379200.1 (MANE Select); coding-DNA positions 1179 to 1180, AG inserted.
Protein change: p.Leu394fs; shifts the reading frame from leucine 394.
Molecular consequence: frameshift variant. On other transcripts: intron variant (2).
Genome position: GRCh38 VCF-style: chr22-19766530-C-CGA. GRCh37 (hg19) VCF-style: chr22-19754053-C-CGA.
Other names: c.1152_1153insAG, p.Leu385fs (NM_080647.1); c.1009+529_1009+530insAG (NM_005992.1, NM_080646.2); short protein forms L385fs, L394fs.
Identifiers: ClinVar variation 1031062 (VCV001031062.1), dbSNP rs1936852915, ClinGen allele CA2396032358.

ClinVar aggregate classification (germline): Pathogenic (1 of 4 stars; one submission).

Conditions:
DiGeorge syndrome. Also called: THIRD AND FOURTH PHARYNGEAL POUCH SYNDROME; Catch22. Identifiers: Orphanet 567, MedGen C0012236, MONDO:0008564, OMIM 188400.

Submission:

Baylor Genetics
Classification: Pathogenic for DiGeorge syndrome. Last evaluated: 2020-12-19. Review status: criteria provided, single submitter. Criteria: ACMG Guidelines, 2015. Collection method: clinical testing. Allele origin: de novo. Affected: yes.
Comment: This variant was determined to be pathogenic according to ACMG Guidelines, 2015 [PMID:25741868].